The following is an entry in ClinVar:

ClinVar aggregate classification (germline): Uncertain significance (1 of 4 stars; one submission).

Submission:

GeneDx
Classification: Uncertain significance. Last evaluated: 2025-04-12. Review status: criteria provided, single submitter. Criteria: GeneDx Variant Classification Process June 2021. Collection method: clinical testing. Allele origin: germline. Affected: yes.
Comment: Not observed at significant frequency in large population cohorts (gnomAD); In silico analysis supports that this missense variant has a deleterious effect on protein structure/function; Has not been previously published as pathogenic or benign to our knowledge

NM_015375.3(DSTYK):c.2579A>C (p.His860Pro)

Gene: DSTYK (dual serine/threonine and tyrosine protein kinase; minus strand). Cytogenetic location: 1q32.1.
Variant type: single nucleotide variant.
Coding change: c.2579A>C on transcript NM_015375.3 (MANE Select); coding-DNA position 2579, A replaced by C.
Protein change: p.His860Pro; replaces histidine 860 with proline.
Molecular consequence: missense variant. On other transcripts: intron variant (1).
Genome position (GRCh38, 1-based): chr1:205,148,228, T>G on the plus strand (A>C on the coding strand, the complement: DSTYK is on the minus strand). VCF-style: chr1-205148228-T-G. GRCh37 (hg19) VCF-style: chr1-205117356-T-G.
Other names: c.2468-483A>C (NM_199462.3); short protein forms H860P.
Identifiers: ClinVar variation 4282209 (VCV004282209.1).